The following is an entry in ClinVar:

NM_002470.4(MYH3):c.3461C>T (p.Ala1154Val)

Gene: MYH3 (myosin heavy chain 3; minus strand). Cytogenetic location: 17p13.1.
Variant type: single nucleotide variant.
Coding change: c.3461C>T on transcript NM_002470.4 (MANE Select); coding-DNA position 3461, C replaced by T.
Protein change: p.Ala1154Val; replaces alanine 1154 with valine.
Molecular consequence: missense variant.
Genome position (GRCh38, 1-based): chr17:10,638,311, G>A on the plus strand (C>T on the coding strand, the complement: MYH3 is on the minus strand). VCF-style: chr17-10638311-G-A. GRCh37 (hg19) VCF-style: chr17-10541628-G-A.
Other names: short protein forms A1154V.
Identifiers: ClinVar variation 3720030 (VCV003720030.2).

ClinVar aggregate classification (germline): Uncertain significance (1 of 4 stars; one submission).

gnomAD v4.1: 27 of 1,612,400 alleles (0.0017%); highest among the groups gnomAD compares: African/African-American, 0.016%; no homozygotes.

Submission:

Labcorp Genetics (formerly Invitae), Labcorp
Classification: Uncertain significance. Last evaluated: 2025-12-29. Review status: criteria provided, single submitter. Criteria: Invitae Variant Classification Sherloc (09022015). Collection method: clinical testing. Allele origin: germline.
Comment: This sequence change replaces alanine, which is neutral and non-polar, with valine, which is neutral and non-polar, at codon 1154 of the MYH3 protein (p.Ala1154Val). This variant is present in population databases (rs369555448, gnomAD 0.03%). This variant has not been reported in the literature in individuals affected with MYH3-related conditions. ClinVar contains an entry for this variant (Variation ID: 3720030). Invitae Evidence Modeling of protein sequence and biophysical properties (such as structural, functional, and spatial information, amino acid conservation, physicochemical variation, residue mobility, and thermodynamic stability) indicates that this missense variant is not expected to disrupt MYH3 protein function with a negative predictive value of 95%. In summary, the available evidence is currently insufficient to determine the role of this variant in disease. Therefore, it has been classified as a Variant of Uncertain Significance.